The following is an entry in ClinVar:

NM_003172.4(SURF1):c.784C>T (p.Gln262Ter)

Gene: SURF1 (SURF1 cytochrome c oxidase assembly factor; minus strand). Cytogenetic location: 9q34.2.
Variant type: single nucleotide variant.
Coding change: c.784C>T on transcript NM_003172.4 (MANE Select); coding-DNA position 784, C replaced by T.
Protein change: p.Gln262Ter; replaces glutamine 262 with a stop codon.
Molecular consequence: nonsense.
Genome position (GRCh38, 1-based): chr9:133,352,110, G>A on the plus strand (C>T on the coding strand, the complement: SURF1 is on the minus strand). VCF-style: chr9-133352110-G-A. GRCh37 (hg19) VCF-style: chr9-136218965-G-A.
Other names: c.457C>T, p.Gln153Ter (NM_001280787.1); short protein forms Q262*, Q153*.
Identifiers: ClinVar variation 4735623 (VCV004735623.1).

ClinVar aggregate classification (germline): Pathogenic (1 of 4 stars; one submission).

Conditions:
Leigh syndrome (NULS). Also called: Leigh's necrotizing encephalopathy; Leigh's disease; Leigh Syndrome (mtDNA deletion); Leigh's syndrome; LEIGH SYNDROME, NUCLEAR; Leigh Disease. Identifiers: Orphanet 506, MedGen C2931891, MONDO:0009723, OMIM 256000.

Submission:

Labcorp Genetics (formerly Invitae), Labcorp
Classification: Pathogenic for Leigh syndrome. Last evaluated: 2026-01-18. Review status: criteria provided, single submitter. Criteria: Invitae Variant Classification Sherloc (09022015). Collection method: clinical testing. Allele origin: germline.
Comment: This sequence change creates a premature translational stop signal (p.Gln262*) in the SURF1 gene. It is expected to result in an absent or disrupted protein product. Loss-of-function variants in SURF1 are known to be pathogenic (PMID: 10443880, 22488715, 24027061). This variant is not present in population databases (gnomAD no frequency). This variant has not been reported in the literature in individuals affected with SURF1-related conditions. For these reasons, this variant has been classified as Pathogenic.

Literature cited by the submitters: PubMed 10443880; PubMed 22488715; PubMed 24027061.